The following is an entry in ClinVar:

NM_133379.5(TTN):c.15424G>A (p.Gly5142Ser)

Gene: TTN (titin; minus strand). Cytogenetic location: 2q31.2.
Variant type: single nucleotide variant.
Coding change: c.15424G>A on transcript NM_133379.5; coding-DNA position 15424, G replaced by A.
Protein change: p.Gly5142Ser; replaces glycine 5142 with serine.
Molecular consequence: missense variant. On other transcripts: intron variant (6).
Genome position (GRCh38, 1-based): chr2:178,746,976, C>T on the plus strand (G>A on the coding strand, the complement: TTN is on the minus strand). VCF-style: chr2-178746976-C-T. GRCh37 (hg19) VCF-style: chr2-179611703-C-T.
Other names: c.10223-5055G>A (NM_003319.4); c.10799-5055G>A (NM_133437.4); c.10598-5055G>A (NM_133432.3); c.10360+6148G>A (NM_133378.4); c.10361-5055G>A (NM_001256850.1); c.11312-5055G>A (NM_001267550.2); short protein forms G5142S.
Identifiers: ClinVar variation 1206332 (VCV001206332.5), dbSNP rs559696231, ClinGen allele CA2003100.

ClinVar aggregate classification (germline): Likely benign. Review status: criteria provided, multiple submitters, no conflicts (2 of 4 stars). 4 submissions from 4 submitters: Likely benign (2). 2 of the submissions do not count toward it. Last evaluated 2024-05-13.

Allele frequency attached by ClinVar (database versions not stated): gnomAD 0.00002 and 0.00003; gnomAD exomes 0.00003 and 0.00006; TOPMed 0.00003; ExAC 0.00007; 1000 Genomes Project 0.00040; 1000 Genomes Project 30x 0.00047.
gnomAD v4.1: 54 of 1,613,386 alleles (0.0033%); highest among the groups gnomAD compares: Middle Eastern, 0.033%; no homozygotes.

Submissions (4):

GeneDx
Classification: Likely benign. Last evaluated: 2024-05-13. Review status: criteria provided, single submitter. Criteria: GeneDx Variant Classification Process June 2021. Collection method: clinical testing. Allele origin: germline. Affected: yes.
Comment: See Variant Classification Assertion Criteria.

Blueprint Genetics
Classification: Likely benign. Last evaluated: 2023-12-15. Review status: criteria provided, single submitter. Criteria: ACMG Guidelines, 2015. Collection method: clinical testing. Allele origin: germline.

Clinical Genetics, Academic Medical Center
Classification: Likely benign. Review status: no assertion criteria provided. Collection method: clinical testing. Allele origin: germline. Affected: yes. Study: VKGL Data-share Consensus. Not counted in ClinVar's aggregate classification.

Laboratory of Diagnostic Genome Analysis, Leiden University Medical Center (LUMC)
Classification: Likely benign. Review status: no assertion criteria provided. Collection method: clinical testing. Allele origin: germline. Affected: yes. Study: VKGL Data-share Consensus. Not counted in ClinVar's aggregate classification.